The following is an entry in ClinVar:

ClinVar aggregate classification (germline): Likely pathogenic (1 of 4 stars; one submission).

Submission:

Labcorp Genetics (formerly Invitae), Labcorp
Classification: Likely pathogenic. Last evaluated: 2025-07-24. Review status: criteria provided, single submitter. Criteria: Invitae Variant Classification Sherloc (09022015). Collection method: clinical testing. Allele origin: germline.
Comment: This sequence change affects an acceptor splice site in intron 1 of the PDE6C gene. It is expected to disrupt RNA splicing. Variants that disrupt the donor or acceptor splice site typically lead to a loss of protein function (PMID: 16199547), and loss-of-function variants in PDE6C are known to be pathogenic (PMID: 19887631, 23776498, 26103963, 30080950). This variant is not present in population databases (gnomAD no frequency). Disruption of this splice site has been observed in individual(s) with cone dystrophy (PMID: 37433860). Algorithms developed to predict the effect of sequence changes on RNA splicing suggest that this variant may disrupt the consensus splice site. In summary, the currently available evidence indicates that the variant is pathogenic, but additional data are needed to prove that conclusively. Therefore, this variant has been classified as Likely Pathogenic.

Literature cited by the submitters: PubMed 16199547; PubMed 19887631; PubMed 23776498; PubMed 26103963; PubMed 30080950; PubMed 37433860.

NM_006204.4(PDE6C):c.481-1G>C

Gene: PDE6C (phosphodiesterase 6C; plus strand). Cytogenetic location: 10q23.33.
Variant type: single nucleotide variant.
Coding change: c.481-1G>C on transcript NM_006204.4 (MANE Select); the canonical splice acceptor site of the intron before coding-DNA position 481, G replaced by C.
Molecular consequence: splice acceptor variant.
Genome position (GRCh38, 1-based): chr10:93,620,631, G>C. VCF-style: chr10-93620631-G-C. GRCh37 (hg19) VCF-style: chr10-95380388-G-C.
Identifiers: ClinVar variation 4721557 (VCV004721557.1).